The following is an entry in ClinVar:

NM_006767.4(LZTR1):c.1943-328T>C

Gene: LZTR1 (leucine zipper like post translational regulator 1; plus strand). Cytogenetic location: 22q11.21.
Variant type: single nucleotide variant.
Coding change: c.1943-328T>C on transcript NM_006767.4 (MANE Select); 328 bases into the intron before coding-DNA position 1943, T replaced by C.
Molecular consequence: intron variant.
Genome position (GRCh38, 1-based): chr22:20,995,418, T>C. VCF-style: chr22-20995418-T-C. GRCh37 (hg19) VCF-style: chr22-21349707-T-C.
Identifiers: ClinVar variation 3238177 (VCV003238177.2), dbSNP rs755620588.

ClinVar aggregate classification (germline): Uncertain significance (1 of 4 stars; one submission).

Conditions:
Hereditary cancer-predisposing syndrome. Also called: Neoplastic Syndromes, Hereditary; Tumor predisposition; Hereditary neoplastic syndrome; Hereditary Cancer Syndrome. Identifiers: Orphanet 140162, MedGen C0027672, MeSH D009386, MONDO:0015356.
Cardiovascular phenotype. Identifiers: MedGen CN230736.

Allele frequency attached by ClinVar (database versions not stated): TOPMed below 0.00001; gnomAD exomes 0.00001; gnomAD 0.00003; ExAC 0.00007.
gnomAD v4.1: 10 of 620,366 alleles (0.0016%); highest among the groups gnomAD compares: African/African-American, 0.0073%; no homozygotes.

Submission:

Ambry Genetics
Classification: Uncertain significance for Cardiovascular phenotype; Hereditary cancer-predisposing syndrome. Last evaluated: 2025-02-13. Review status: criteria provided, single submitter. Criteria: Ambry Variant Classification Scheme 2023. Collection method: clinical testing. Allele origin: germline.
Comment: The c.1943-328T>C intronic variant results from a T to C substitution 328 nucleotides upstream from coding exon 17 in the LZTR1 gene. This nucleotide position is well conserved in available vertebrate species. In silico splice site analysis for this alteration is inconclusive. RNA studies have demonstrated that this alteration results in a splice defect; the clinical impact of this abnormal splicing is unknown at this time (Ambry internal data). Based on the available evidence, the clinical significance of this variant remains unclear.